The following is an entry in ClinVar:

ClinVar aggregate classification (germline): Uncertain significance. Review status: criteria provided, multiple submitters, no conflicts (2 of 4 stars). 2 submissions from 2 submitters: Uncertain significance (2). Last evaluated 2024-12-23.

Conditions:
Hereditary cancer-predisposing syndrome. Also called: Hereditary Cancer Syndrome; Hereditary neoplastic syndrome; Tumor predisposition; Neoplastic Syndromes, Hereditary. Identifiers: Orphanet 140162, MedGen C0027672, MeSH D009386, MONDO:0015356.
Oligodontia-cancer predisposition syndrome. Also called: TOOTH AGENESIS-COLORECTAL CANCER SYNDROME. Identifiers: Orphanet 300576, MedGen C1837750, MONDO:0012075, OMIM 608615. Disease mechanism: loss of function.

Allele frequency attached by ClinVar (database versions not stated): TOPMed below 0.00001; gnomAD 0.00001.
gnomAD v4.1: 1 of 1,614,132 alleles (0.000062%); highest among the groups gnomAD compares: African/African-American, 0.0013%; no homozygotes.

Submissions (2):

Labcorp Genetics (formerly Invitae), Labcorp
Classification: Uncertain significance for Oligodontia-cancer predisposition syndrome. Last evaluated: 2024-12-23. Review status: criteria provided, single submitter. Criteria: Invitae Variant Classification Sherloc (09022015). Collection method: clinical testing. Allele origin: germline.
Comment: This sequence change replaces aspartic acid, which is acidic and polar, with asparagine, which is neutral and polar, at codon 824 of the AXIN2 protein (p.Asp824Asn). This variant is present in population databases (no rsID available, gnomAD 0.007%). This variant has not been reported in the literature in individuals affected with AXIN2-related conditions. ClinVar contains an entry for this variant (Variation ID: 1791780). Invitae Evidence Modeling of protein sequence and biophysical properties (such as structural, functional, and spatial information, amino acid conservation, physicochemical variation, residue mobility, and thermodynamic stability) indicates that this missense variant is expected to disrupt AXIN2 protein function with a positive predictive value of 80%. In summary, the available evidence is currently insufficient to determine the role of this variant in disease. Therefore, it has been classified as a Variant of Uncertain Significance.

Ambry Genetics
Classification: Uncertain significance for Hereditary cancer-predisposing syndrome. Last evaluated: 2022-07-15. Review status: criteria provided, single submitter. Criteria: Ambry Variant Classification Scheme 2023. Collection method: clinical testing. Allele origin: germline.
Comment: The p.D824N variant (also known as c.2470G>A), located in coding exon 10 of the AXIN2 gene, results from a G to A substitution at nucleotide position 2470. The aspartic acid at codon 824 is replaced by asparagine, an amino acid with highly similar properties. This amino acid position is conserved. In addition, the in silico prediction for this alteration is inconclusive. Since supporting evidence is limited at this time, the clinical significance of this alteration remains unclear.

NM_004655.4(AXIN2):c.2470G>A (p.Asp824Asn)

Gene: AXIN2 (axin 2; minus strand). Cytogenetic location: 17q24.1.
Variant type: single nucleotide variant.
Coding change: c.2470G>A on transcript NM_004655.4 (MANE Select); coding-DNA position 2470, G replaced by A.
Protein change: p.Asp824Asn; replaces aspartic acid 824 with asparagine.
Molecular consequence: missense variant.
Genome position (GRCh38, 1-based): chr17:65,530,038, C>T on the plus strand (G>A on the coding strand, the complement: AXIN2 is on the minus strand). VCF-style: chr17-65530038-C-T. GRCh37 (hg19) VCF-style: chr17-63526156-C-T.
Other names: c.2275G>A, p.Asp759Asn (NM_001363813.1); short protein forms D759N, D824N.
Identifiers: ClinVar variation 1791780 (VCV001791780.4), dbSNP rs1244596696, ClinGen allele CA400674838.